The following is an entry in ClinVar:

NM_001130987.2(DYSF):c.4062C>A (p.Ile1354=)

Gene: DYSF (dysferlin; plus strand). Cytogenetic location: 2p13.2.
Variant type: single nucleotide variant.
Coding change: c.4062C>A on transcript NM_001130987.2 (MANE Select); coding-DNA position 4062, C replaced by A.
Protein change: p.Ile1354=; no amino-acid change (isoleucine 1354 retained).
Molecular consequence: synonymous variant.
Genome position (GRCh38, 1-based): chr2:71,611,467, C>A. VCF-style: chr2-71611467-C-A. GRCh37 (hg19) VCF-style: chr2-71838597-C-A.
Other names: p.Ile1336=; c.4011C>A, p.Ile1337= (NM_001130455.2, NM_001130983.2); c.3966C>A, p.Ile1322= (NM_001130976.2, NM_001130977.2); c.4008C>A, p.Ile1336= (NM_001130978.2, NM_003494.4); c.4101C>A, p.Ile1367= (NM_001130979.2); c.4059C>A, p.Ile1353= (NM_001130980.2, NM_001130981.2); c.4104C>A, p.Ile1368= (NM_001130982.2); c.3969C>A, p.Ile1323= (NM_001130984.2, NM_001130986.2); and 1 more.
Identifiers: ClinVar variation 94316 (VCV000094316.41), dbSNP rs2303606, ClinGen allele CA147755.

ClinVar aggregate classification (germline): Benign. Review status: criteria provided, multiple submitters, no conflicts (2 of 4 stars). 19 submissions from 17 submitters: Benign (14). 5 of the submissions do not count toward it. Last evaluated 2026-06-12.

Conditions:
Neuromuscular disease caused by qualitative or quantitative defects of dysferlin. Also called: Qualitative or quantitative defects of dysferlin; Dysferlinopathy. Identifiers: Orphanet 207073, MedGen C2931687, MONDO:0016145.
Miyoshi muscular dystrophy 1 (MMD1). Identifiers: Orphanet 45448, MedGen C4551973, MONDO:0024545, OMIM 254130.
Autosomal recessive limb-girdle muscular dystrophy type 2B (LGMDR2). Also called: MUSCULAR DYSTROPHY, LIMB-GIRDLE, TYPE 3; Limb-girdle muscular dystrophy, type 2B; Limb-Girdle Muscular Dystrophy Type 2B (LGMD2B); MUSCULAR DYSTROPHY, LIMB-GIRDLE, AUTOSOMAL RECESSIVE 2. Identifiers: Orphanet 268, MedGen C1850889, MONDO:0009676, OMIM 253601.
Distal myopathy with anterior tibial onset. Identifiers: Orphanet 178400, MedGen C1847532, MONDO:0011721, OMIM 606768.

Allele frequency attached by ClinVar (database versions not stated): 1000 Genomes Project 0.44948; 1000 Genomes Project 30x 0.45003; ESP Exome Variant Server 0.47155; gnomAD 0.47763 and 0.47852; TOPMed 0.47923; ExAC 0.50146; gnomAD exomes 0.50348 and 0.50408.
gnomAD v4.1: 808,434 of 1,613,814 alleles (50%); highest among the groups gnomAD compares: Admixed American, 53%; 203,854 homozygotes.

Submissions (19):

Women's Health and Genetics/Laboratory Corporation of America, LabCorp
Classification: Benign. Last evaluated: 2026-06-12. Review status: criteria provided, single submitter. Criteria: LabCorp Variant Classification Summary - May 2015. Collection method: clinical testing. Allele origin: germline.

Labcorp Genetics (formerly Invitae), Labcorp
Classification: Benign for Neuromuscular disease caused by qualitative or quantitative defects of dysferlin. Last evaluated: 2026-02-04. Review status: criteria provided, single submitter. Criteria: Invitae Variant Classification Sherloc (09022015). Collection method: clinical testing. Allele origin: germline.

Blueprint Genetics
Classification: Benign. Last evaluated: 2024-11-26. Review status: criteria provided, single submitter. Criteria: ACMG Guidelines, 2015. Collection method: clinical testing. Allele origin: germline.

Genome-Nilou Lab
Classification: Benign for Autosomal recessive limb-girdle muscular dystrophy type 2B. Last evaluated: 2021-07-30. Review status: criteria provided, single submitter. Criteria: ACMG Guidelines, 2015. Collection method: clinical testing. Allele origin: germline. Affected: no.

Genome-Nilou Lab
Classification: Benign for Distal myopathy with anterior tibial onset. Last evaluated: 2021-07-30. Review status: criteria provided, single submitter. Criteria: ACMG Guidelines, 2015. Collection method: clinical testing. Allele origin: germline. Affected: no.

Genome-Nilou Lab
Classification: Benign for Miyoshi muscular dystrophy 1. Last evaluated: 2021-06-10. Review status: criteria provided, single submitter. Criteria: ACMG Guidelines, 2015. Collection method: clinical testing. Allele origin: germline. Affected: no.

Illumina Laboratory Services, Illumina
Classification: Benign for Qualitative or quantitative defects of dysferlin. Last evaluated: 2018-01-12. Review status: criteria provided, single submitter. Criteria: ICSL Variant Classification Criteria 13 December 2019. Collection method: clinical testing. Allele origin: germline.
Comment: This variant was observed in the ICSL laboratory as part of a predisposition screen in an ostensibly healthy population. It had not been previously curated by ICSL or reported in the Human Gene Mutation Database (HGMD: prior to June 1st, 2018), and was therefore a candidate for classification through an automated scoring system. Utilizing variant allele frequency, disease prevalence and penetrance estimates, and inheritance mode, an automated score was calculated to assess if this variant is too frequent to cause the disease. Based on the score and internal cut-off values, a variant classified as benign is not then subjected to further curation. The score for this variant resulted in a classification of benign for this disease.

Mayo Clinic Laboratories, Mayo Clinic
Classification: Benign. Last evaluated: 2017-07-21. Review status: criteria provided, single submitter. Criteria: ACMG Guidelines, 2015. Collection method: clinical testing. Allele origin: germline. Observed: 866 variant alleles.

Athena Diagnostics
Classification: Benign. Last evaluated: 2017-03-17. Review status: criteria provided, single submitter. Criteria: Athena Diagnostics Criteria. Collection method: clinical testing. Allele origin: germline.

GeneDx
Classification: Benign. Last evaluated: 2016-01-05. Review status: criteria provided, single submitter. Criteria: GeneDx Variant Classification (06012015). Collection method: clinical testing. Allele origin: germline. Affected: yes.
Comment: This variant is considered likely benign or benign based on one or more of the following criteria: it is a conservative change, it occurs at a poorly conserved position in the protein, it is predicted to be benign by multiple in silico algorithms, and/or has population frequency not consistent with disease.

Eurofins Ntd Llc (ga)
Classification: Benign. Last evaluated: 2015-04-24. Review status: criteria provided, single submitter. Criteria: EGL Classification Definitions 2015. Collection method: clinical testing. Allele origin: germline. Observed: 148 variant alleles, 95 heterozygotes, 52 homozygotes, 1 hemizygote.

Laboratory for Molecular Medicine, Mass General Brigham Personalized Medicine
Classification: Benign. Last evaluated: 2015-01-13. Review status: criteria provided, single submitter. Criteria: LMM Criteria. Collection method: clinical testing. Allele origin: germline. Observed: 10 variant alleles.
Comment: p.Ile1354Ile in exon 38 of DYSF: This variant is not expected to have clinical s ignificance because it does not alter an amino acid residue and is not located w ithin the splice consensus sequence. It has been identified in 48.9% (4208/8600) of European American chromosomes from a broad population by the NHLBI Exome Seq uencing Project (dbSNP rs2303606).

Breakthrough Genomics
Classification: Benign. Review status: criteria provided, single submitter. Criteria: ACMG Guidelines, 2015. Collection method: not provided. Allele origin: germline. Inheritance: Autosomal recessive inheritance. Affected: yes.

PreventionGenetics, part of Exact Sciences
Classification: Benign. Review status: criteria provided, single submitter. Criteria: ACMG Guidelines, 2015. Collection method: clinical testing. Allele origin: germline.

Natera, Inc.
Classification: Benign for Limb-girdle muscular dystrophy type 2B. Last evaluated: 2020-09-16. Review status: no assertion criteria provided. Collection method: clinical testing. Allele origin: germline. Not counted in ClinVar's aggregate classification.

Clinical Genetics, Academic Medical Center
Classification: Benign. Review status: no assertion criteria provided. Collection method: clinical testing. Allele origin: germline. Affected: yes. Study: VKGL Data-share Consensus. Not counted in ClinVar's aggregate classification.

Diagnostic Laboratory, Department of Genetics, University Medical Center Groningen
Classification: Benign. Review status: no assertion criteria provided. Collection method: clinical testing. Allele origin: germline. Affected: yes. Study: VKGL Data-share Consensus. Not counted in ClinVar's aggregate classification.

Genetic Services Laboratory, University of Chicago
Classification: Likely benign for AllHighlyPenetrant. Review status: no assertion criteria provided. Collection method: clinical testing. Allele origin: germline. Inheritance: Autosomal recessive inheritance. Not counted in ClinVar's aggregate classification.
Comment: Likely benign based on allele frequency in 1000 Genomes Project or ESP global frequency and its presence in a patient with a rare or unrelated disease phenotype. NOT Sanger confirmed.

Joint Genome Diagnostic Labs from Nijmegen and Maastricht, Radboudumc and MUMC+
Classification: Benign. Review status: no assertion criteria provided. Collection method: clinical testing. Allele origin: germline. Affected: yes. Study: VKGL Data-share Consensus. Not counted in ClinVar's aggregate classification.